The following is an entry in ClinVar:

NM_004817.4(TJP2):c.2137A>G (p.Ser713Gly)

Gene: TJP2 (tight junction protein 2; plus strand). Cytogenetic location: 9q21.11.
Variant type: single nucleotide variant.
Coding change: c.2137A>G on transcript NM_004817.4 (MANE Select); coding-DNA position 2137, A replaced by G.
Protein change: p.Ser713Gly; replaces serine 713 with glycine.
Molecular consequence: missense variant.
Genome position (GRCh38, 1-based): chr9:69,237,094, A>G. VCF-style: chr9-69237094-A-G. GRCh37 (hg19) VCF-style: chr9-71852010-A-G.
Other names: p.Ser713Gly; c.2149A>G, p.Ser717Gly (NM_001170415.1, NM_001369874.1, NM_001369875.1); c.2230A>G, p.Ser744Gly (NM_001170416.2); c.2062A>G, p.Ser688Gly (NM_001369870.1); c.2068A>G, p.Ser690Gly (NM_001369871.1, NM_001170414.2); c.2137A>G, p.Ser713Gly (NM_001369872.1, NM_001369873.1, NM_201629.3); short protein forms S690G, S713G, S717G, S688G, S744G.
Identifiers: ClinVar variation 165414 (VCV000165414.19), dbSNP rs116545275, ClinGen allele CA178174.

ClinVar aggregate classification (germline): Benign. Review status: criteria provided, multiple submitters, no conflicts (2 of 4 stars). 6 submissions from 6 submitters: Benign (6). Last evaluated 2026-01-28.

Allele frequency attached by ClinVar (database versions not stated): gnomAD exomes 0.00061 and 0.00175; ExAC 0.00233; gnomAD 0.00701 and 0.00763; TOPMed 0.00736; 1000 Genomes Project 0.00779; 1000 Genomes Project 30x 0.00859; ESP Exome Variant Server 0.00877.
gnomAD v4.1: 1,989 of 1,614,174 alleles (0.12%); highest among the groups gnomAD compares: African/African-American, 2.4%; 26 homozygotes.

Submissions (6):

Labcorp Genetics (formerly Invitae), Labcorp
Classification: Benign. Last evaluated: 2026-01-28. Review status: criteria provided, single submitter. Criteria: Invitae Variant Classification Sherloc (09022015). Collection method: clinical testing. Allele origin: germline.

Mayo Clinic Laboratories, Mayo Clinic
Classification: Benign. Last evaluated: 2024-11-07. Review status: criteria provided, single submitter. Criteria: ACMG Guidelines, 2015. Collection method: clinical testing. Allele origin: germline. Observed: 5 variant alleles.
Comment: BA1, BS2

GeneDx
Classification: Benign. Last evaluated: 2018-07-19. Review status: criteria provided, single submitter. Criteria: GeneDx Variant Classification Process June 2021. Collection method: clinical testing. Allele origin: germline. Affected: yes.

Laboratory for Molecular Medicine, Mass General Brigham Personalized Medicine
Classification: Benign. Last evaluated: 2012-05-07. Review status: criteria provided, single submitter. Criteria: LMM Criteria. Collection method: clinical testing. Allele origin: germline. Observed: 2 variant alleles.
Comment: Ser690Gly in Exon 15 of TJP2: This variant is not expected to have clinical sign ificance because it has been identified in 2.8% (105/3738) of African American c hromosomes from a broad population by the NHLBI Exome Sequencing Project (dbSNP rs116545275).

Breakthrough Genomics
Classification: Benign. Review status: criteria provided, single submitter. Criteria: ACMG Guidelines, 2015. Collection method: not provided. Allele origin: germline. Inheritance: Autosomal recessive inheritance. Affected: yes.

PreventionGenetics, part of Exact Sciences
Classification: Benign. Review status: criteria provided, single submitter. Criteria: ACMG Guidelines, 2015. Collection method: clinical testing. Allele origin: germline.